The following is an entry in ClinVar:

ClinVar aggregate classification (germline): Uncertain significance (1 of 4 stars; one submission).

Conditions:
Inborn genetic diseases. Identifiers: MedGen C0950123, MeSH D030342.

Submission:

Ambry Genetics
Classification: Uncertain significance for Inborn genetic diseases. Last evaluated: 2021-03-09. Review status: criteria provided, single submitter. Criteria: Ambry Variant Classification Scheme 2023. Collection method: clinical testing. Allele origin: germline.
Comment: The c.970C>T (p.P324S) alteration is located in exon 10 (coding exon 10) of the SMPD4 gene. This alteration results from a C to T substitution at nucleotide position 970, causing the proline (P) at amino acid position 324 to be replaced by a serine (S). The p.P324S alteration is predicted to be tolerated by in silico analysis. Based on insufficient or conflicting evidence, the clinical significance of this alteration remains unclear.

NM_017951.5(SMPD4):c.853C>T (p.Pro285Ser)

Gene: SMPD4 (sphingomyelin phosphodiesterase 4; minus strand). Cytogenetic location: 2q21.1.
Variant type: single nucleotide variant.
Coding change: c.853C>T on transcript NM_017951.5 (MANE Select); coding-DNA position 853, C replaced by T.
Protein change: p.Pro285Ser; replaces proline 285 with serine.
Molecular consequence: missense variant. On other transcripts: non-coding transcript variant (2).
Genome position (GRCh38, 1-based): chr2:130,164,385, G>A on the plus strand (C>T on the coding strand, the complement: SMPD4 is on the minus strand). VCF-style: chr2-130164385-G-A. GRCh37 (hg19) VCF-style: chr2-130921958-G-A.
Other names: c.751C>T, p.Pro251Ser (NM_001171083.2); c.970C>T, p.Pro324Ser (NM_017751.4); short protein forms P251S, P324S, P285S.
Identifiers: ClinVar variation 2229619 (VCV002229619.2), dbSNP rs2467231454, ClinGen allele CA348478681.